The following is an entry in ClinVar:

ClinVar aggregate classification (germline): Uncertain significance (1 of 4 stars; one submission).

Conditions:
SCN7A-related disorder. Also called: SCN7A-related condition.

Submission:

PreventionGenetics, part of Exact Sciences
Classification: Uncertain significance for SCN7A-related condition. Last evaluated: 2024-10-25. Review status: criteria provided, single submitter. Criteria: ACMG Guidelines, 2015. Collection method: clinical testing. Allele origin: germline.
Comment: The SCN7A c.1541G>T variant is predicted to result in the amino acid substitution p.Cys514Phe. To our knowledge, this variant has not been reported in the literature or in a large population database (gnomAD), indicating this variant is rare. At this time, the clinical significance of this variant is uncertain due to the absence of conclusive functional and genetic evidence.

NM_002976.4(SCN7A):c.1541G>T (p.Cys514Phe)

Gene: SCN7A (sodium voltage-gated channel alpha subunit 7; minus strand). Cytogenetic location: 2q24.3.
Variant type: single nucleotide variant.
Coding change: c.1541G>T on transcript NM_002976.4 (MANE Select); coding-DNA position 1541, G replaced by T.
Protein change: p.Cys514Phe; replaces cysteine 514 with phenylalanine.
Molecular consequence: missense variant. On other transcripts: non-coding transcript variant (1).
Genome position (GRCh38, 1-based): chr2:166,444,847, C>A on the plus strand (G>T on the coding strand, the complement: SCN7A is on the minus strand). VCF-style: chr2-166444847-C-A. GRCh37 (hg19) VCF-style: chr2-167301357-C-A.
Other names: short protein forms C514F.
Identifiers: ClinVar variation 5000838 (VCV005000838.1).
Genomic context (GRCh38, chr2:166,444,847, plus strand): 5'-TTAGTTTGTTTACTCATTGGATAATGCTCCAAGGTCAGAAAACATACGTTTAAAATTATG[C>A]ATATGATAAGGAAAAGATCAGTAAATGGTGCCATTATAATCCTATGGACAAACTCTTTCA-3'
Protein context (NP_002967.2, residues 504-524): APFTDLFLII[Cys514Phe]IILNVCFLTL